The following is an entry in ClinVar:

NM_000868.4(HTR2C):c.879G>A (p.Glu293=)

Genes: HTR2C (5-hydroxytryptamine receptor 2C; plus strand), LOC126863306 (MED14-independent group 3 enhancer GRCh37_chrX:114140926-114142125; plus strand). Cytogenetic location: Xq23.
Variant type: single nucleotide variant.
Coding change: c.879G>A on transcript NM_000868.4 (MANE Select); coding-DNA position 879, G replaced by A.
Protein change: p.Glu293=; no amino-acid change (glutamic acid 293 retained).
Molecular consequence: synonymous variant. On other transcripts: 3 prime UTR variant (1).
Genome position (GRCh38, 1-based): chrX:114,906,917, G>A. VCF-style: chrX-114906917-G-A. GRCh37 (hg19) VCF-style: chrX-114141480-G-A.
Other names: c.879G>A, p.Glu293= (NM_001256760.3); c.*37G>A (NM_001256761.3).
Identifiers: ClinVar variation 3043730 (VCV003043730.2), dbSNP rs782711180, ClinGen allele CA10495529.

ClinVar aggregate classification (germline): Likely benign (0 of 4 stars; one submission).

Conditions:
HTR2C-related disorder. Also called: HTR2C-related condition.

Allele frequency attached by ClinVar (database versions not stated): ExAC 0.00001; gnomAD exomes 0.00001; TOPMed 0.00002.
gnomAD v4.1: 7 of 1,211,101 alleles (0.00058%); highest among the groups gnomAD compares: Admixed American, 0.0065%; no homozygotes.

Submission:

PreventionGenetics, part of Exact Sciences
Classification: Likely benign for HTR2C-related condition. Last evaluated: 2023-12-29. Review status: no assertion criteria provided. Collection method: clinical testing. Allele origin: germline.
Comment: This variant is classified as likely benign based on ACMG/AMP sequence variant interpretation guidelines (Richards et al. 2015 PMID: 25741868, with internal and published modifications).